The following is an entry in ClinVar:

ClinVar aggregate classification (germline): Likely benign. Review status: criteria provided, multiple submitters, no conflicts (2 of 4 stars). 3 submissions from 3 submitters: Likely benign (3). Last evaluated 2025-05-04.

Conditions:
Leber congenital amaurosis 9 (LCA9). Also called: LCA 9; Amaurosis congenita of Leber, type 9; LCA9 Leber Congenital Amaurosis. Identifiers: Orphanet 65, MedGen C1837873, MONDO:0012056, OMIM 608553.
NMNAT1-related disorder. Also called: NMNAT1-related condition.

Allele frequency attached by ClinVar (database versions not stated): ESP Exome Variant Server 0.00015; gnomAD 0.00001; TOPMed 0.00002.
gnomAD v4.1: 36 of 1,614,044 alleles (0.0022%); highest among the groups gnomAD compares: Non-Finnish European, 0.0027%; no homozygotes.

Submissions (3):

Labcorp Genetics (formerly Invitae), Labcorp
Classification: Likely benign for Leber congenital amaurosis 9. Last evaluated: 2025-05-04. Review status: criteria provided, single submitter. Criteria: Invitae Variant Classification Sherloc (09022015). Collection method: clinical testing. Allele origin: germline.

PreventionGenetics, part of Exact Sciences
Classification: Likely benign for NMNAT1-related condition. Last evaluated: 2024-11-26. Review status: criteria provided, single submitter. Criteria: ACMG Guidelines, 2015. Collection method: clinical testing. Allele origin: germline.
Comment: This variant is classified as likely benign based on ACMG/AMP sequence variant interpretation guidelines (Richards et al. 2015 PMID: 25741868, with internal and published modifications).

Blueprint Genetics
Classification: Likely benign. Last evaluated: 2024-09-06. Review status: criteria provided, single submitter. Criteria: ACMG Guidelines, 2015. Collection method: clinical testing. Allele origin: germline.

NM_022787.4(NMNAT1):c.768T>C (p.Ser256=)

Gene: NMNAT1 (nicotinamide nucleotide adenylyltransferase 1; plus strand). Cytogenetic location: 1p36.22.
Variant type: single nucleotide variant.
Coding change: c.768T>C on transcript NM_022787.4 (MANE Select); coding-DNA position 768, T replaced by C.
Protein change: p.Ser256=; no amino-acid change (serine 256 retained).
Molecular consequence: synonymous variant.
Genome position (GRCh38, 1-based): chr1:9,982,629, T>C. VCF-style: chr1-9982629-T-C. GRCh37 (hg19) VCF-style: chr1-10042687-T-C.
Other names: c.768T>C (NM_022787.3); c.768T>C, p.Ser256= (NM_001297778.1).
Identifiers: ClinVar variation 2075837 (VCV002075837.6), dbSNP rs148650540, ClinGen allele CA579323.
Genomic context (GRCh38, chr1:9,982,629, plus strand): 5'-TCGCTACTTGGTACCAGATCTTGTCCAAGAATACATTGAAAAGCATAATTTGTACAGCTC[T>C]GAGAGTGAAGACAGGAATGCTGGGGTCATCCTGGCCCCTTTGCAGAGAAACACTGCAGAA-3'
Protein context (NP_073624.2, residues 246-266): EYIEKHNLYS[Ser256=]ESEDRNAGVI